The following is an entry in ClinVar:

NC_000008.10:g.(?_19796952)_(19822821_?)del

Gene: LPL (lipoprotein lipase; plus strand). Cytogenetic location: 8p21.3.
Variant type: Deletion.
Identifiers: ClinVar variation 3245547 (VCV003245547.1).

ClinVar aggregate classification (germline): Pathogenic (1 of 4 stars; one submission).

Submission:

Labcorp Genetics (formerly Invitae), Labcorp
Classification: Pathogenic. Last evaluated: 2024-01-04. Review status: criteria provided, single submitter. Criteria: Invitae Variant Classification Sherloc (09022015). Collection method: clinical testing. Allele origin: unknown.
Comment: A gross deletion of the genomic region encompassing the full coding sequence of the LPL gene has been identified. Loss-of-function variants in LPL are known to be pathogenic (PMID: 11334614). The boundaries of this event are unknown as they extend beyond the assayed region for this gene and therefore may encompass additional genes. A similar copy number variant has been observed in individual(s) with lipidemia (PMID: 24142281). In at least one individual the data is consistent with being in trans (on the opposite chromosome) from a pathogenic variant. For these reasons, this variant has been classified as Pathogenic.

Literature cited by the submitters: PubMed 11334614; PubMed 24142281.